The following is an entry in ClinVar:

ClinVar aggregate classification (germline): Pathogenic/Likely pathogenic. Review status: criteria provided, multiple submitters, no conflicts (2 of 4 stars). 6 submissions from 6 submitters: Pathogenic (5); Likely pathogenic (1). Last evaluated 2025-12-01.

Conditions:
NDP-related disorders.
Atrophia bulborum hereditaria (ND). Also called: EPISKOPI BLINDNESS; Norrie Disease (Classic Norrie Disease Ocular Phenotype with or without Extraocular Findings; Pseudoglioma; Norrie syndrome; Norrie-Warburg syndrome; Anderson-Warburg syndrome. Identifiers: Orphanet 649, MedGen C0266526, MONDO:0010691, OMIM 310600, HP:6000262.

Submissions (6):

Labcorp Genetics (formerly Invitae), Labcorp
Classification: Pathogenic. Last evaluated: 2025-12-01. Review status: criteria provided, single submitter. Criteria: Invitae Variant Classification Sherloc (09022015). Collection method: clinical testing. Allele origin: germline.
Comment: This sequence change creates a premature translational stop signal (p.Arg37*) in the NDP gene. It is expected to result in an absent or disrupted protein product. Loss-of-function variants in NDP are known to be pathogenic (PMID: 12040033, 17296899, 17955262, 20340138). This variant is not present in population databases (gnomAD no frequency). This premature translational stop signal has been observed in individual(s) with X-linked exudative vitreoretinopathy and Norrie disease (PMID: 10773814, 30097784, 30452590). ClinVar contains an entry for this variant (Variation ID: 92699). Algorithms developed to predict the effect of sequence changes on RNA splicing suggest that this variant may disrupt the consensus splice site. For these reasons, this variant has been classified as Pathogenic.

Laboratory of Human Genetics, Universidade de São Paulo
Classification: Pathogenic for Atrophia bulborum hereditaria. Last evaluated: 2022-06-27. Review status: criteria provided, single submitter. Criteria: ACMG Guidelines, 2015. Collection method: research. Allele origin: maternal. Affected: yes. Observed: 1 hemizygote.
Comment: This variant meets our criteria to be classified as pathogenic based upon segregation studies, absence from controls, and in-silico evaluation of pathogenicity.

Institute of Human Genetics, University of Leipzig Medical Center
Classification: Likely pathogenic for Atrophia bulborum hereditaria. Last evaluated: 2022-01-07. Review status: criteria provided, single submitter. Criteria: ACMG Guidelines, 2015. Collection method: clinical testing. Allele origin: unknown. Affected: yes.
Comment: This variant was identified as hemizygous._x000D_ Criteria applied: PVS1, PS2, PS4_MOD, PM2_SUP

GeneDx
Classification: Pathogenic. Last evaluated: 2020-07-21. Review status: criteria provided, single submitter. Criteria: GeneDx Variant Classification Process June 2021. Collection method: clinical testing. Allele origin: germline. Affected: yes.
Comment: Nonsense variant predicted to result in protein truncation or nonsense mediated decay in a gene for which loss-of-function is a known mechanism of disease; Not observed in large population cohorts (Lek et al., 2016); This variant is associated with the following publications: (PMID: 30097784, 30452590, 10773814, 22786811, 20340138)

Blueprint Genetics
Classification: Pathogenic for NDP-related disorders. Last evaluated: 2020-02-15. Review status: criteria provided, single submitter. Criteria: ACMG Guidelines, 2015. Collection method: clinical testing. Allele origin: germline. Affected: yes. Observed: 1 variant allele.

Eurofins Ntd Llc (ga)
Classification: Pathogenic. Last evaluated: 2012-11-07. Review status: criteria provided, single submitter. Criteria: EGL Classification Definitions 2015. Collection method: clinical testing. Allele origin: germline. Observed: 1 variant allele, 1 hemizygote.

Literature cited by the submitters: PubMed 12040033 (cited by Labcorp Genetics (formerly Invitae), Labcorp); PubMed 17296899 (cited by Labcorp Genetics (formerly Invitae), Labcorp); PubMed 17955262 (cited by Labcorp Genetics (formerly Invitae), Labcorp); PubMed 20340138 (cited by Labcorp Genetics (formerly Invitae), Labcorp and Institute of Human Genetics, University of Leipzig Medical Center); PubMed 10773814 (cited by Labcorp Genetics (formerly Invitae), Labcorp); PubMed 30097784 (cited by Labcorp Genetics (formerly Invitae), Labcorp); PubMed 30452590 (cited by Labcorp Genetics (formerly Invitae), Labcorp and Institute of Human Genetics, University of Leipzig Medical Center); PubMed 22786811 (cited by Institute of Human Genetics, University of Leipzig Medical Center).

NM_000266.4(NDP):c.109C>T (p.Arg37Ter)

Genes: NDP (norrin cystine knot growth factor NDP; minus strand), NDP-AS1 (NDP antisense RNA 1; plus strand). Cytogenetic location: Xp11.3.
Variant type: single nucleotide variant.
Coding change: c.109C>T on transcript NM_000266.4 (MANE Select); coding-DNA position 109, C replaced by T.
Protein change: p.Arg37Ter; replaces arginine 37 with a stop codon.
Molecular consequence: nonsense.
Genome position (GRCh38, 1-based): chrX:43,958,537, G>A on the plus strand (C>T on the coding strand, the complement: NDP is on the minus strand). VCF-style: chrX-43958537-G-A. GRCh37 (hg19) VCF-style: chrX-43817783-G-A.
Other names: short protein forms R37*.
Identifiers: ClinVar variation 92699 (VCV000092699.18), dbSNP rs398123283, ClinGen allele CA220557.